The following is an entry in ClinVar:

ClinVar aggregate classification (germline): Likely pathogenic (1 of 4 stars; one submission).

Conditions:
Dilated cardiomyopathy 1CC (CMD1CC). Identifiers: Orphanet 154, MedGen C2751084, MONDO:0013147, OMIM 613122.

Submission:

Human Genetics Bochum, Ruhr University Bochum
Classification: Likely pathogenic for Dilated cardiomyopathy 1CC. Last evaluated: 2025-09-02. Review status: criteria provided, single submitter. Criteria: ACMG Guidelines, 2015. Collection method: clinical testing. Allele origin: germline. Affected: yes.
Comment: ACMG criteria used to clasify this variant: PVS1, PM2_SUP

NM_144573.4(NEXN):c.794_797del (p.Gln265fs)

Gene: NEXN (nexilin F-actin binding protein; plus strand). Cytogenetic location: 1p31.1.
Variant type: Microsatellite.
Coding change: c.794_797del on transcript NM_144573.4 (MANE Select); coding-DNA positions 794 to 797, 4 bases deleted (AAGC; older notation c.794_797delAAGC).
Protein change: p.Gln265fs; shifts the reading frame from glutamine 265.
Molecular consequence: frameshift variant.
Genome position (GRCh38, 1-based): chr1:77,926,822-77,926,825, AAGC deleted; deleting any 4 consecutive bases within chr1:77,926,818-77,926,825 gives the same sequence; the c. name uses the placement nearest the transcript's 3' end. VCF-style (leftmost placement, unchanged base first): chr1-77926817-GAAGC-G. GRCh37 (hg19) VCF-style: chr1-78392502-GAAGC-G.
Other names: c.602_605del, p.Gln201fs (NM_001172309.2); short protein forms Q201fs, Q265fs.
Identifiers: ClinVar variation 4687953 (VCV004687953.1).